The following is an entry in ClinVar:

NM_001379451.1(BCORL1):c.3292G>A (p.Val1098Ile)

Gene: BCORL1 (BCL6 corepressor like 1; plus strand). Cytogenetic location: Xq26.1.
Variant type: single nucleotide variant.
Coding change: c.3292G>A on transcript NM_001379451.1 (MANE Select); coding-DNA position 3292, G replaced by A.
Protein change: p.Val1098Ile; replaces valine 1098 with isoleucine.
Molecular consequence: missense variant.
Genome position (GRCh38, 1-based): chrX:130,016,064, G>A. VCF-style: chrX-130016064-G-A. GRCh37 (hg19) VCF-style: chrX-129150040-G-A.
Other names: c.3292G>A, p.Val1098Ile (NM_001184772.3, NM_001379450.1, NM_001441326.1 and 7 more transcripts); short protein forms V1098I.
Identifiers: ClinVar variation 4538067 (VCV004538067.1).

ClinVar aggregate classification (germline): Uncertain significance (1 of 4 stars; one submission).

gnomAD v4.1: 2 of 1,211,724 alleles (0.00017%); highest among the groups gnomAD compares: Middle Eastern, 0.023%; no homozygotes.

Submission:

GeneDx
Classification: Uncertain significance. Last evaluated: 2025-06-10. Review status: criteria provided, single submitter. Criteria: GeneDx Variant Classification Process June 2021. Collection method: clinical testing. Allele origin: germline. Affected: yes.
Comment: Not observed at significant frequency in large population cohorts (gnomAD); In silico analysis suggests that this missense variant does not alter protein structure/function; Has not been previously published as pathogenic or benign to our knowledge